The following is an entry in ClinVar:

NM_000095.3(COMP):c.1153G>A (p.Asp385Asn)

Gene: COMP (cartilage oligomeric matrix protein; minus strand). Cytogenetic location: 19p13.11.
Variant type: single nucleotide variant.
Coding change: c.1153G>A on transcript NM_000095.3 (MANE Select); coding-DNA position 1153, G replaced by A.
Protein change: p.Asp385Asn; replaces aspartic acid 385 with asparagine.
Molecular consequence: missense variant.
Genome position (GRCh38, 1-based): chr19:18,786,633, C>T on the plus strand (G>A on the coding strand, the complement: COMP is on the minus strand). VCF-style: chr19-18786633-C-T. GRCh37 (hg19) VCF-style: chr19-18897443-C-T.
Other names: c.1153G>A (NM_000095.2); short protein forms D385N.
Identifiers: ClinVar variation 988351 (VCV000988351.16), dbSNP rs1601054715, ClinGen allele CA404887165.
Genomic context (GRCh38, chr19:18,786,633, plus strand): 5'-CCCCTATACCATCGCCATCACTGTCCTTCTGGTCTGAGTTGGGTACCCTAGGGCAGTTGT[C>T]GGCCTGGTTGCGGATCCCTGCAGAAATCCACGGGACCAGAGCCCCAAGATTGGGACCAGG-3'
Protein context (NP_000086.2, residues 375-395): IDGDRIRNQA[Asp385Asn]NCPRVPNSDQ

ClinVar aggregate classification (germline): Pathogenic/Likely pathogenic. Review status: criteria provided, multiple submitters, no conflicts (2 of 4 stars). 8 submissions from 8 submitters: Pathogenic (5); Likely pathogenic (2). 1 of the submissions does not count toward it. Last evaluated 2025-10-05.

Conditions:
Carpal tunnel syndrome 2. Identifiers: MedGen C5436916, MONDO:0030883, OMIM 619161.
Multiple epiphyseal dysplasia type 1. Also called: COMP-Related Multiple Epiphyseal Dysplasia. Identifiers: Orphanet 93308, MedGen C1838280, MONDO:0007561, OMIM 132400.
Pseudoachondroplastic spondyloepiphyseal dysplasia syndrome (PSACH). Also called: Pseudoachondroplasia; COMP-Related Pseudoachondroplasia; PSEUDOACHONDROPLASTIC DYSPLASIA. Identifiers: Orphanet 750, MedGen C0410538, MONDO:0008322, OMIM 177170.
COMP-related disorder. Also called: COMP-related disorders; COMP-related condition.
Multiple epiphyseal dysplasia. Also called: Multiple epiphyseal dysplasia (disease). Identifiers: Orphanet 251, MedGen C0026760, MONDO:0016648, HP:0002654.

Submissions (8):

Clinical Biomedical Laboratory, Shriners Hospital For Children - Canada
Classification: Likely pathogenic for Multiple epiphyseal dysplasia type 1. Last evaluated: 2025-10-05. Review status: criteria provided, single submitter. Criteria: ACMG Guidelines, 2015. Collection method: clinical testing. Allele origin: germline. Affected: yes.
Comment: This variant is predicted to substitute an aspartic acid residue by an asparagine residue. This variant is absent from the Genome Aggregation Database (v2.1.1). This variant has been reported in the literature (PMID 12483304).

Labcorp Genetics (formerly Invitae), Labcorp
Classification: Pathogenic. Last evaluated: 2025-09-25. Review status: criteria provided, single submitter. Criteria: Invitae Variant Classification Sherloc (09022015). Collection method: clinical testing. Allele origin: germline.
Comment: This sequence change replaces aspartic acid, which is acidic and polar, with asparagine, which is neutral and polar, at codon 385 of the COMP protein (p.Asp385Asn). This variant is not present in population databases (gnomAD no frequency). This missense change has been observed in individuals with clinical features of multiple epiphyseal dysplasia (PMID: 12483304, 28051032). It has also been observed to segregate with disease in related individuals. ClinVar contains an entry for this variant (Variation ID: 988351). Invitae Evidence Modeling of protein sequence and biophysical properties (such as structural, functional, and spatial information, amino acid conservation, physicochemical variation, residue mobility, and thermodynamic stability) indicates that this missense variant is expected to disrupt COMP protein function with a positive predictive value of 80%. For these reasons, this variant has been classified as Pathogenic.

MVZ Medizinische Genetik Mainz
Classification: Pathogenic for Multiple epiphyseal dysplasia type 1. Last evaluated: 2024-08-27. Review status: criteria provided, single submitter. Criteria: UK Practice Guidelines For Variant Classification V4 01 2020. Collection method: clinical testing. Allele origin: germline. Inheritance: Autosomal dominant inheritance. Observed: 1 variant allele.
Comment: ACMG Criteria: PP1_STR,PS4_MOD,PM1,PM5,PP3_MOD,PM2_SUP

Blueprint Genetics
Classification: Pathogenic for COMP-related disorders. Last evaluated: 2024-01-30. Review status: criteria provided, single submitter. Criteria: ACMG Guidelines, 2015. Collection method: clinical testing. Allele origin: germline. Affected: yes. Observed: 5 variant alleles.

Fulgent Genetics
Classification: Pathogenic for Multiple epiphyseal dysplasia type 1; Pseudoachondroplastic spondyloepiphyseal dysplasia syndrome; Carpal tunnel syndrome 2. Last evaluated: 2021-12-21. Review status: criteria provided, single submitter. Criteria: ACMG Guidelines, 2015. Collection method: clinical testing. Allele origin: unknown.

CENTOGENE GmbH and LLC - Guiding Precision Medicine
Classification: Pathogenic for Multiple epiphyseal dysplasia type 1. Last evaluated: 2020-06-11. Review status: criteria provided, single submitter. Criteria: ACMG Guidelines, 2015. Collection method: clinical testing. Allele origin: maternal. Affected: yes.

Clinical Genetics and Genomics, Karolinska University Hospital
Classification: Likely pathogenic. Last evaluated: 2015-04-06. Review status: criteria provided, single submitter. Criteria: ACMG Guidelines, 2015. Collection method: clinical testing. Allele origin: germline. Affected: yes. Observed: 1 variant allele.

GeneReviews
No classification provided. Condition: Multiple epiphyseal dysplasia. Review status: no classification provided. Collection method: literature only. Allele origin: germline. Not counted in ClinVar's aggregate classification.

Literature cited by the submitters: PubMed 12483304 (cited by Clinical Biomedical Laboratory, Shriners Hospital For Children - Canada and Labcorp Genetics (formerly Invitae), Labcorp); PubMed 28051032 (cited by Labcorp Genetics (formerly Invitae), Labcorp); NCBI Bookshelf NBK1123 (cited by GeneReviews).